The following is an entry in ClinVar:

ClinVar aggregate classification (germline): Uncertain significance (1 of 4 stars; one submission).

Conditions:
Autosomal dominant nonsyndromic hearing loss 1. Also called: KONIGSMARK SYNDROME; DEAFNESS, AUTOSOMAL DOMINANT 1, WITH OR WITHOUT THROMBOCYTOPENIA. Identifiers: Orphanet 90635, MedGen C1852282, MONDO:0007424, OMIM 124900.
Progressive microcephaly-seizures-cortical blindness-developmental delay syndrome. Also called: Seizures, cortical blindness, and microcephaly syndrome. Identifiers: Orphanet 477814, MedGen C5567650, MONDO:0014714, OMIM 616632.

Allele frequency attached by ClinVar (database versions not stated): gnomAD exomes 0.00001.

Submission:

Labcorp Genetics (formerly Invitae), Labcorp
Classification: Uncertain significance for Progressive microcephaly-seizures-cortical blindness-developmental delay syndrome; Autosomal dominant nonsyndromic hearing loss 1. Last evaluated: 2025-12-22. Review status: criteria provided, single submitter. Criteria: Invitae Variant Classification Sherloc (09022015). Collection method: clinical testing. Allele origin: germline.
Comment: This sequence change replaces aspartic acid, which is acidic and polar, with asparagine, which is neutral and polar, at codon 804 of the DIAPH1 protein (p.Asp804Asn). This variant is not present in population databases (gnomAD no frequency). This variant has not been reported in the literature in individuals affected with DIAPH1-related conditions. ClinVar contains an entry for this variant (Variation ID: 945091). An algorithm developed to predict the effect of missense changes on protein structure and function (PolyPhen-2) suggests that this variant is likely to be disruptive. In summary, the available evidence is currently insufficient to determine the role of this variant in disease. Therefore, it has been classified as a Variant of Uncertain Significance.

NM_005219.5(DIAPH1):c.2410G>A (p.Asp804Asn)

Gene: DIAPH1 (diaphanous related formin 1; minus strand). Cytogenetic location: 5q31.3.
Variant type: single nucleotide variant.
Coding change: c.2410G>A on transcript NM_005219.5 (MANE Select); coding-DNA position 2410, G replaced by A.
Protein change: p.Asp804Asn; replaces aspartic acid 804 with asparagine.
Molecular consequence: missense variant.
Genome position (GRCh38, 1-based): chr5:141,571,989, C>T on the plus strand (G>A on the coding strand, the complement: DIAPH1 is on the minus strand). VCF-style: chr5-141571989-C-T. GRCh37 (hg19) VCF-style: chr5-140951556-C-T.
Other names: c.2383G>A, p.Asp795Asn (NM_001079812.3); c.2410G>A, p.Asp804Asn (NM_001314007.2); short protein forms D795N, D804N.
Identifiers: ClinVar variation 945091 (VCV000945091.10), dbSNP rs2099895253, ClinGen allele CA361513360.